The following is an entry in ClinVar:

ClinVar aggregate classification (germline): Benign (1 of 4 stars; one submission).

Allele frequency attached by ClinVar (database versions not stated): 1000 Genomes Project 0.00160; 1000 Genomes Project 30x 0.00187; TOPMed 0.00596; gnomAD 0.00638.
gnomAD v4.1: 960 of 152,342 alleles (0.63%); highest among the groups gnomAD compares: Non-Finnish European, 1.1%; 5 homozygotes.

Submission:

CeGaT Center for Human Genetics Tuebingen
Classification: Benign. Last evaluated: 2023-07-01. Review status: criteria provided, single submitter. Criteria: CeGaT Center For Human Genetics Tuebingen Variant Classification Criteria Version 2. Collection method: clinical testing. Allele origin: germline. Affected: yes. Observed: 5 variant alleles.
Comment: DDX11: BS1, BS2

NM_030653.4(DDX11):c.1875+290T>C

Gene: DDX11 (DEAD/H-box helicase 11; plus strand). Cytogenetic location: 12p11.21.
Variant type: single nucleotide variant.
Coding change: c.1875+290T>C on transcript NM_030653.4 (MANE Select); 290 bases into the intron after coding-DNA position 1875, T replaced by C.
Molecular consequence: intron variant.
Genome position (GRCh38, 1-based): chr12:31,098,287, T>C. VCF-style: chr12-31098287-T-C. GRCh37 (hg19) VCF-style: chr12-31251221-T-C.
Other names: c.1875+290T>C (NM_152438.2, NM_004399.3, NM_001413692.1 and 5 more transcripts); c.909+290T>C (NM_001413706.1); c.1788+290T>C (NM_001413700.1); c.1347+290T>C (NM_001413702.1, NM_001413703.1); c.1797+290T>C (NM_001413697.1, NM_001413699.1, NM_001257145.2 and 1 more transcripts); c.1014+290T>C (NM_001413705.1, NM_001413704.1).
Identifiers: ClinVar variation 2642822 (VCV002642822.24), dbSNP rs61918661, ClinGen allele CA234498789.